The following is an entry in ClinVar:

ClinVar aggregate classification (germline): Uncertain significance (1 of 4 stars; one submission).

Conditions:
Hypermethioninemia with deficiency of S-adenosylhomocysteine hydrolase. Identifiers: Orphanet 88618, MedGen C3151058, MONDO:0013404, OMIM 613752.

Submission:

Labcorp Genetics (formerly Invitae), Labcorp
Classification: Uncertain significance for Hypermethioninemia with deficiency of S-adenosylhomocysteine hydrolase. Last evaluated: 2022-03-10. Review status: criteria provided, single submitter. Criteria: Invitae Variant Classification Sherloc (09022015). Collection method: clinical testing. Allele origin: germline.
Comment: This sequence change replaces lysine, which is basic and polar, with methionine, which is neutral and non-polar, at codon 408 of the AHCY protein (p.Lys408Met). This variant is not present in population databases (gnomAD no frequency). This variant has not been reported in the literature in individuals affected with AHCY-related conditions. Algorithms developed to predict the effect of missense changes on protein structure and function are either unavailable or do not agree on the potential impact of this missense change (SIFT: "Not Available"; PolyPhen-2: "Possibly Damaging"; Align-GVGD: "Not Available"). In summary, the available evidence is currently insufficient to determine the role of this variant in disease. Therefore, it has been classified as a Variant of Uncertain Significance.

NM_000687.4(AHCY):c.1223A>T (p.Lys408Met)

Gene: AHCY (adenosylhomocysteinase; minus strand). Cytogenetic location: 20q11.22.
Variant type: single nucleotide variant.
Coding change: c.1223A>T on transcript NM_000687.4 (MANE Select); coding-DNA position 1223, A replaced by T.
Protein change: p.Lys408Met; replaces lysine 408 with methionine.
Molecular consequence: missense variant.
Genome position (GRCh38, 1-based): chr20:34,281,110, T>A on the plus strand (A>T on the coding strand, the complement: AHCY is on the minus strand). VCF-style: chr20-34281110-T-A. GRCh37 (hg19) VCF-style: chr20-32868916-T-A.
Other names: c.1139A>T, p.Lys380Met (NM_001161766.2, NM_001322084.2, NM_001322085.2); c.1229A>T, p.Lys410Met (NM_001322086.2); c.1223A>T, p.Lys408Met (NM_001362750.2); short protein forms K408M, K380M, K410M.
Identifiers: ClinVar variation 2108633 (VCV002108633.4), dbSNP rs373929711, ClinGen allele CA408652393.